The following is an entry in ClinVar:

NM_001127222.2(CACNA1A):c.1611G>T (p.Met537Ile)

Gene: CACNA1A (calcium voltage-gated channel subunit alpha1 A; minus strand). Cytogenetic location: 19p13.13.
Variant type: single nucleotide variant.
Coding change: c.1611G>T on transcript NM_001127222.2 (MANE Select); coding-DNA position 1611, G replaced by T.
Protein change: p.Met537Ile; replaces methionine 537 with isoleucine.
Molecular consequence: missense variant.
Genome position (GRCh38, 1-based): chr19:13,312,726, C>A on the plus strand (G>T on the coding strand, the complement: CACNA1A is on the minus strand). VCF-style: chr19-13312726-C-A. GRCh37 (hg19) VCF-style: chr19-13423540-C-A.
Other names: c.1614G>T, p.Met538Ile (NM_000068.4, NM_001127221.2, NM_001174080.2 and 1 more transcripts); short protein forms M538I, M537I.
Identifiers: ClinVar variation 945623 (VCV000945623.18), dbSNP rs752572390, ClinGen allele CA9240775.

ClinVar aggregate classification (germline): Uncertain significance. Review status: criteria provided, multiple submitters, no conflicts (2 of 4 stars). 4 submissions from 4 submitters: Uncertain significance (4). Last evaluated 2025-12-01.

Conditions:
Developmental and epileptic encephalopathy, 42 (DEE42A). Also called: DEVELOPMENTAL AND EPILEPTIC ENCEPHALOPATHY 42A; EPILEPTIC ENCEPHALOPATHY, EARLY INFANTILE, 42A; Epileptic encephalopathy, early infantile, 42. Identifiers: MedGen C4310716, MONDO:0014917, OMIM 617106.
Episodic ataxia type 2 (EA2). Also called: ACETAZOLAMIDE-RESPONSIVE HEREDITARY PAROXYSMAL CEREBELLAR ATAXIA; EPISODIC ATAXIA, NYSTAGMUS-ASSOCIATED; ATAXIA, EPISODIC, WITH NYSTAGMUS; ATAXIA, FAMILIAL PAROXYSMAL; CEREBELLAR ATAXIA, PAROXYSMAL, ACETAZOLAMIDE-RESPONSIVE; CEREBELLOPATHY, HEREDITARY PAROXYSMAL. Identifiers: Orphanet 97, MedGen C1720416, MONDO:0007163, OMIM 108500.

Allele frequency attached by ClinVar (database versions not stated): gnomAD exomes 0.00001; ExAC 0.00002.
gnomAD v4.1: 6 of 1,595,962 alleles (0.00038%); highest among the groups gnomAD compares: South Asian, 0.0011%; no homozygotes.

Submissions (4):

CeGaT Center for Human Genetics Tuebingen
Classification: Uncertain significance. Last evaluated: 2025-12-01. Review status: criteria provided, single submitter. Criteria: CeGaT Center For Human Genetics Tuebingen Variant Classification Criteria Version 2. Collection method: clinical testing. Allele origin: germline. Affected: yes. Observed: 2 variant alleles.
Comment: CACNA1A: PM2, PP3

Labcorp Genetics (formerly Invitae), Labcorp
Classification: Uncertain significance for Developmental and epileptic encephalopathy, 42; Episodic ataxia type 2. Last evaluated: 2025-03-31. Review status: criteria provided, single submitter. Criteria: Invitae Variant Classification Sherloc (09022015). Collection method: clinical testing. Allele origin: germline.
Comment: This sequence change replaces methionine, which is neutral and non-polar, with isoleucine, which is neutral and non-polar, at codon 538 of the CACNA1A protein (p.Met538Ile). This variant is present in population databases (rs752572390, gnomAD 0.004%). This variant has not been reported in the literature in individuals affected with CACNA1A-related conditions. ClinVar contains an entry for this variant (Variation ID: 945623). Invitae Evidence Modeling of protein sequence and biophysical properties (such as structural, functional, and spatial information, amino acid conservation, physicochemical variation, residue mobility, and thermodynamic stability) has been performed for this missense variant. However, the output from this modeling did not meet the statistical confidence thresholds required to predict the impact of this variant on CACNA1A protein function. In summary, the available evidence is currently insufficient to determine the role of this variant in disease. Therefore, it has been classified as a Variant of Uncertain Significance.

Blueprint Genetics
Classification: Uncertain significance. Last evaluated: 2024-11-04. Review status: criteria provided, single submitter. Criteria: ACMG Guidelines, 2015. Collection method: clinical testing. Allele origin: germline.

Laboratory of Medical Genetics, National & Kapodistrian University of Athens
Classification: Uncertain significance for Developmental and epileptic encephalopathy, 42. Last evaluated: 2022-03-11. Review status: criteria provided, single submitter. Criteria: ACMG Guidelines, 2015. Collection method: clinical testing. Allele origin: germline. Affected: yes.
Comment: PM2, PP3